The following is an entry in ClinVar:

ClinVar aggregate classification (germline): Uncertain significance. Review status: criteria provided, multiple submitters, no conflicts (2 of 4 stars). 2 submissions from 2 submitters: Uncertain significance (2). Last evaluated 2026-07-07.

Conditions:
Hereditary cancer-predisposing syndrome. Also called: Tumor predisposition; Hereditary Cancer Syndrome; Hereditary neoplastic syndrome; Neoplastic Syndromes, Hereditary. Identifiers: Orphanet 140162, MedGen C0027672, MeSH D009386, MONDO:0015356.

Submissions (2):

Ambry Genetics
Classification: Uncertain significance for Hereditary cancer-predisposing syndrome. Last evaluated: 2026-07-07. Review status: criteria provided, single submitter. Criteria: Ambry Variant Classification Scheme 2023. Collection method: clinical testing. Allele origin: germline.
Comment: The p.K296E variant (also known as c.886A>G), located in coding exon 6 of the FH gene, results from an A to G substitution at nucleotide position 886. The lysine at codon 296 is replaced by glutamic acid, an amino acid with similar properties. This amino acid position is conserved. In addition, the in silico prediction for this alteration is inconclusive. Based on the available evidence, the clinical significance of this variant remains unclear.

Labcorp Genetics (formerly Invitae), Labcorp
Classification: Uncertain significance. Last evaluated: 2022-03-06. Review status: criteria provided, single submitter. Criteria: Invitae Variant Classification Sherloc (09022015). Collection method: clinical testing. Allele origin: germline.
Comment: This sequence change replaces lysine, which is basic and polar, with glutamic acid, which is acidic and polar, at codon 296 of the FH protein (p.Lys296Glu). This variant is not present in population databases (gnomAD no frequency). This variant has not been reported in the literature in individuals affected with FH-related conditions. Advanced modeling of protein sequence and biophysical properties (such as structural, functional, and spatial information, amino acid conservation, physicochemical variation, residue mobility, and thermodynamic stability) performed at Invitae indicates that this missense variant is not expected to disrupt FH protein function. In summary, the available evidence is currently insufficient to determine the role of this variant in disease. Therefore, it has been classified as a Variant of Uncertain Significance.

NM_000143.4(FH):c.886A>G (p.Lys296Glu)

Gene: FH (fumarate hydratase; minus strand). Cytogenetic location: 1q43.
Variant type: single nucleotide variant.
Coding change: c.886A>G on transcript NM_000143.4 (MANE Select); coding-DNA position 886, A replaced by G.
Protein change: p.Lys296Glu; replaces lysine 296 with glutamic acid.
Molecular consequence: missense variant.
Genome position (GRCh38, 1-based): chr1:241,506,021, T>C on the plus strand (A>G on the coding strand, the complement: FH is on the minus strand). VCF-style: chr1-241506021-T-C. GRCh37 (hg19) VCF-style: chr1-241669321-T-C.
Other names: short protein forms K296E.
Identifiers: ClinVar variation 2107349 (VCV002107349.2), dbSNP rs2527322767, ClinGen allele CA345438819.
Genomic context (GRCh38, chr1:241,506,021, plus strand): 5'-AATGAGAAATGAAAATGAGAAATAATTCACGTGATCACTAACCTGTAAGTGCAGCCACTT[T>C]TGCAGCAACCTTTTCTGCAAAGCCAATTCTAGTATTTAAACCTGTACCAACAGCAGTGCC-3'
Protein context (NP_000134.2, residues 286-306): RIGFAEKVAA[Lys296Glu]VAALTGLPFV